The following is an entry in ClinVar:

ClinVar aggregate classification (germline): Likely pathogenic. Review status: criteria provided, multiple submitters, no conflicts (2 of 4 stars). 2 submissions from 2 submitters: Likely pathogenic (2). Last evaluated 2026-03-19.

Conditions:
Angelman syndrome (AS). Also called: HAPPY PUPPET SYNDROME. Identifiers: Orphanet 72, MedGen C0162635, MONDO:0007113, OMIM 105830. Disease mechanism: loss of function. Inheritance: AS is caused by disruption of maternally imprinted UBE3A located within the 15q11.2-q13 Angelman syndrome/Prader-Willi syndrome (AS/PWS) region., imprinting disorder.

Submissions (2):

GeneDx
Classification: Likely pathogenic. Last evaluated: 2026-03-19. Review status: criteria provided, single submitter. Criteria: GeneDx Variant Classification Process June 2021. Collection method: clinical testing. Allele origin: germline.
Comment: Published functional studies demonstrate this variant results in a loss of UBE3A ubiquitin ligase activity (PMID: 34815418); Not observed at significant frequency in large population cohorts (gnomAD); In silico analysis supports that this missense variant has a deleterious effect on protein structure/function; This variant is associated with the following publications: (PMID: 35910155, 34815418, 40097479, 36282706)

Genetic Services Laboratory, University of Chicago
Classification: Likely pathogenic for Angelman syndrome. Last evaluated: 2013-02-08. Review status: criteria provided, single submitter. Criteria: ACMG Guidelines, 2007. Collection method: clinical testing. Allele origin: germline. Inheritance: Autosomal dominant inheritance. Affected: yes.

NM_130839.5(UBE3A):c.1823A>G (p.Gln608Arg)

Genes: SNHG14 (small nucleolar RNA host gene 14; plus strand), UBE3A (ubiquitin protein ligase E3A; minus strand). Cytogenetic location: 15q11.2.
Variant type: single nucleotide variant.
Coding change: c.1823A>G on transcript NM_130839.5 (MANE Select); coding-DNA position 1823, A replaced by G.
Protein change: p.Gln608Arg; replaces glutamine 608 with arginine.
Molecular consequence: missense variant. On other transcripts: non-coding transcript variant (1).
Genome position (GRCh38, 1-based): chr15:25,356,827, T>C on the plus strand (A>G on the coding strand, the complement: UBE3A is on the minus strand). VCF-style: chr15-25356827-T-C. GRCh37 (hg19) VCF-style: chr15-25601974-T-C.
Other names: c.1832A>G, p.Gln611Arg (NM_000462.5); c.1823A>G, p.Gln608Arg (NM_001354505.1, NM_001354538.2, NM_001354545.2); c.1763A>G, p.Gln588Arg (NM_001354506.2, NM_001354507.2, NM_001354508.2 and 17 more transcripts); c.1646A>G, p.Gln549Arg (NM_001354546.2); c.572A>G, p.Gln191Arg (NM_001354550.2); c.512A>G, p.Gln171Arg (NM_001354551.2); short protein forms Q588R, Q608R, Q611R, Q171R, Q191R, Q549R.
Identifiers: ClinVar variation 160212 (VCV000160212.7), dbSNP rs587782919, ClinGen allele CA333539.